The following is an entry in ClinVar:

NM_001875.5(CPS1):c.2352A>G (p.Thr784=)

Gene: CPS1 (carbamoyl-phosphate synthase 1; plus strand). Cytogenetic location: 2q34.
Variant type: single nucleotide variant.
Coding change: c.2352A>G on transcript NM_001875.5 (MANE Select); coding-DNA position 2352, A replaced by G.
Protein change: p.Thr784=; no amino-acid change (threonine 784 retained).
Molecular consequence: synonymous variant. On other transcripts: non-coding transcript variant (2).
Genome position (GRCh38, 1-based): chr2:210,608,520, A>G. VCF-style: chr2-210608520-A-G. GRCh37 (hg19) VCF-style: chr2-211473244-A-G.
Other names: c.2352A>G (LRG_336t1); c.2352A>G, p.Thr784= (NM_001122633.3, NM_001369257.1); c.2385A>G, p.Thr795= (NM_001369256.1).
Identifiers: ClinVar variation 517992 (VCV000517992.14), dbSNP rs182565798, ClinGen allele CA2086610.
Genomic context (GRCh38, chr2:210,608,520, plus strand): 5'-TAGCCTGGATTACATGGTCACCAAGATTCCCCGCTGGGATCTTGACCGTTTTCATGGAAC[A>G]TCTAGCCGAATTGGTAGCTCTATGAAAAGTGTAGGAGAGGTGAGTCCTTGGTTTATTACG-3'
Protein context (NP_001866.2, residues 774-794): PRWDLDRFHG[Thr784=]SSRIGSSMKS

ClinVar aggregate classification (germline): Benign/Likely benign. Review status: criteria provided, multiple submitters, no conflicts (2 of 4 stars). 3 submissions from 3 submitters: Benign (1); Likely benign (1). 1 of the submissions does not count toward it. Last evaluated 2026-01-28.

Conditions:
CPS1-related disorder. Also called: CPS1-related condition.
Congenital hyperammonemia, type I. Also called: Carbamoyl phosphate synthetase 1 deficiency; Hyperammonemia due to carbamoyl phosphate synthetase 1 deficiency; CPS 1 deficiency; Carbamyl phosphate synthetase (CPS) deficiency; CPS I DEFICIENCY; Carbamoyl phosphate synthetase I deficiency disease. Identifiers: Orphanet 147, MedGen C4082171, MONDO:0009376, OMIM 237300.

Allele frequency attached by ClinVar (database versions not stated): gnomAD exomes 0.00008 and 0.00043; gnomAD 0.00014 and 0.00019; TOPMed 0.00015; ExAC 0.00037; 1000 Genomes Project 0.00180; 1000 Genomes Project 30x 0.00187.
gnomAD v4.1: 153 of 1,612,138 alleles (0.0095%); highest among the groups gnomAD compares: East Asian, 0.3%; 1 homozygote.

Submissions (3):

Labcorp Genetics (formerly Invitae), Labcorp
Classification: Benign for Congenital hyperammonemia, type I. Last evaluated: 2026-01-28. Review status: criteria provided, single submitter. Criteria: Invitae Variant Classification Sherloc (09022015). Collection method: clinical testing. Allele origin: germline.

GeneDx
Classification: Likely benign. Last evaluated: 2017-06-22. Review status: criteria provided, single submitter. Criteria: GeneDx Variant Classification (06012015). Collection method: clinical testing. Allele origin: germline. Affected: yes.
Comment: This variant is considered likely benign or benign based on one or more of the following criteria: it is a conservative change, it occurs at a poorly conserved position in the protein, it is predicted to be benign by multiple in silico algorithms, and/or has population frequency not consistent with disease.

PreventionGenetics, part of Exact Sciences
Classification: Likely benign for CPS1-related condition. Last evaluated: 2019-05-03. Review status: no assertion criteria provided. Collection method: clinical testing. Allele origin: germline. Not counted in ClinVar's aggregate classification.
Comment: This variant is classified as likely benign based on ACMG/AMP sequence variant interpretation guidelines (Richards et al. 2015 PMID: 25741868, with internal and published modifications).